The following is an entry in ClinVar:

ClinVar aggregate classification (germline): Likely benign. Review status: criteria provided, single submitter (1 of 4 stars). 2 submissions from 2 submitters: Likely benign (1). 1 of the submissions does not count toward it. Last evaluated 2025-08-11.

Conditions:
ATRN-related disorder. Also called: ATRN-related condition.

Allele frequency attached by ClinVar (database versions not stated): gnomAD exomes 0.00005 and 0.00008; ExAC 0.00007; ESP Exome Variant Server 0.00008; gnomAD 0.00008; TOPMed 0.00011; 1000 Genomes Project 0.00020; 1000 Genomes Project 30x 0.00031.
gnomAD v4.1: 101 of 1,613,866 alleles (0.0063%); highest among the groups gnomAD compares: Middle Eastern, 0.15%; 1 homozygote.

Submissions (2):

Labcorp Genetics (formerly Invitae), Labcorp
Classification: Likely benign. Last evaluated: 2025-08-11. Review status: criteria provided, single submitter. Criteria: Invitae Variant Classification Sherloc (09022015). Collection method: clinical testing. Allele origin: germline.

PreventionGenetics, part of Exact Sciences
Classification: Likely benign for ATRN-related condition. Last evaluated: 2019-09-19. Review status: no assertion criteria provided. Collection method: clinical testing. Allele origin: germline. Not counted in ClinVar's aggregate classification.
Comment: This variant is classified as likely benign based on ACMG/AMP sequence variant interpretation guidelines (Richards et al. 2015 PMID: 25741868, with internal and published modifications).

NM_139321.3(ATRN):c.615C>T (p.Leu205=)

Gene: ATRN (attractin; plus strand). Cytogenetic location: 20p13.
Variant type: single nucleotide variant.
Coding change: c.615C>T on transcript NM_139321.3 (MANE Select); coding-DNA position 615, C replaced by T.
Protein change: p.Leu205=; no amino-acid change (leucine 205 retained).
Molecular consequence: synonymous variant.
Genome position (GRCh38, 1-based): chr20:3,545,768, C>T. VCF-style: chr20-3545768-C-T. GRCh37 (hg19) VCF-style: chr20-3526415-C-T.
Other names: c.267C>T, p.Leu89= (NM_001207047.3); c.615C>T, p.Leu205= (NM_001323332.2, NM_139322.4); c.615C>T (NM_139321.2).
Identifiers: ClinVar variation 1638954 (VCV001638954.10), dbSNP rs140624366, ClinGen allele CA9743854.